The following is an entry in ClinVar:

ClinVar aggregate classification (germline): Uncertain significance (1 of 4 stars; one submission).

Conditions:
Cardiomyopathy (CMYO). Also called: Cardiomyopathies. Identifiers: Orphanet 167848, MedGen C0878544, MONDO:0004994, HP:0001638. Inheritance: Various modes of inheritance.

Submission:

Color Diagnostics, LLC DBA Color Health
Classification: Uncertain significance for Cardiomyopathy. Last evaluated: 2025-07-09. Review status: criteria provided, single submitter. Criteria: ACMG Guidelines, 2015. Collection method: clinical testing. Allele origin: germline.
Comment: This variant deletes 1 nucleotide in exon 7 of the MYH7 gene, creating a frameshift and premature translation stop signal. This variant is expected to result in an absent or non-functional protein product. To our knowledge, this variant has not been reported in individuals affected with MYH7-related disorders in the literature. This variant has not been identified in the general population by the Genome Aggregation Database (gnomAD). Clinical relevance of loss-of-function MYH7 truncation variants in autosomal dominant cardiovascular disorders is not clearly established. The available evidence is insufficient to determine the role of this variant in disease conclusively. Therefore, this variant is classified as a Variant of Uncertain Significance.

NM_000257.4(MYH7):c.567del (p.Arg190fs)

Gene: MYH7 (myosin heavy chain 7; minus strand). Cytogenetic location: 14q11.2.
Variant type: Deletion.
Coding change: c.567del on transcript NM_000257.4 (MANE Select); coding-DNA position 567, one base deleted (G; older notation c.567delG).
Protein change: p.Arg190fs; shifts the reading frame from arginine 190.
Molecular consequence: frameshift variant.
Genome position (GRCh38, 1-based): chr14:23,431,833, C deleted on the plus strand (G on the coding strand, the reverse complement: MYH7 is on the minus strand). VCF-style (leftmost placement, unchanged base first): chr14-23431832-TC-T. GRCh37 (hg19) VCF-style: chr14-23901041-TC-T.
Other names: c.567del, p.Arg190fs (NM_001407004.1); short protein forms R190fs.
Identifiers: ClinVar variation 4757416 (VCV004757416.1).
Genomic context (GRCh38, chr14:23,431,832, plus strand): 5'-TCTGGTCCTTCTTGCTGCGGTCCCCAATGGCTGCAATAACAGCAAAGTACTGGATGACCC[TC>T]TTGGTGTTGACTGTCTTCCCTGCTCCGGATTCTCCGCTGTGAAGACAGGGGCTTATTGGG-3'